The following is an entry in ClinVar:

ClinVar aggregate classification (germline): Uncertain significance. Review status: criteria provided, multiple submitters, no conflicts (2 of 4 stars). 2 submissions from 2 submitters: Uncertain significance (2). Last evaluated 2025-02-24.

Conditions:
Inborn genetic diseases. Identifiers: MedGen C0950123, MeSH D030342.
Spastic paraplegia. Identifiers: MedGen C0037772, HP:0001258.

Allele frequency attached by ClinVar (database versions not stated): TOPMed below 0.00001; gnomAD 0.00001; ExAC 0.00002.

Submissions (2):

Ambry Genetics
Classification: Uncertain significance for Inborn genetic diseases. Last evaluated: 2025-02-24. Review status: criteria provided, single submitter. Criteria: Ambry Variant Classification Scheme 2023. Collection method: clinical testing. Allele origin: germline.

Labcorp Genetics (formerly Invitae), Labcorp
Classification: Uncertain significance for Spastic paraplegia. Last evaluated: 2023-03-16. Review status: criteria provided, single submitter. Criteria: Invitae Variant Classification Sherloc (09022015). Collection method: clinical testing. Allele origin: germline.
Comment: This sequence change replaces aspartic acid, which is acidic and polar, with asparagine, which is neutral and polar, at codon 199 of the GJC2 protein (p.Asp199Asn). In summary, the available evidence is currently insufficient to determine the role of this variant in disease. Therefore, it has been classified as a Variant of Uncertain Significance. Advanced modeling of protein sequence and biophysical properties (such as structural, functional, and spatial information, amino acid conservation, physicochemical variation, residue mobility, and thermodynamic stability) has been performed at Invitae for this missense variant, however the output from this modeling did not meet the statistical confidence thresholds required to predict the impact of this variant on GJC2 protein function. ClinVar contains an entry for this variant (Variation ID: 657515). This variant has not been reported in the literature in individuals affected with GJC2-related conditions. The frequency data for this variant in the population databases is considered unreliable, as metrics indicate poor data quality at this position in the gnomAD database.

NM_020435.4(GJC2):c.595G>A (p.Asp199Asn)

Gene: GJC2 (gap junction protein gamma 2; plus strand). Cytogenetic location: 1q42.13.
Variant type: single nucleotide variant.
Coding change: c.595G>A on transcript NM_020435.4 (MANE Select); coding-DNA position 595, G replaced by A.
Protein change: p.Asp199Asn; replaces aspartic acid 199 with asparagine.
Molecular consequence: missense variant.
Genome position (GRCh38, 1-based): chr1:228,158,353, G>A. VCF-style: chr1-228158353-G-A. GRCh37 (hg19) VCF-style: chr1-228346054-G-A.
Other names: short protein forms D199N.
Identifiers: ClinVar variation 657515 (VCV000657515.9), dbSNP rs772486962, ClinGen allele CA1430884.